The following is an entry in ClinVar:

NM_198576.4(AGRN):c.3103G>A (p.Val1035Met)

Gene: AGRN (agrin; plus strand). Cytogenetic location: 1p36.33.
Variant type: single nucleotide variant.
Coding change: c.3103G>A on transcript NM_198576.4 (MANE Select); coding-DNA position 3103, G replaced by A.
Protein change: p.Val1035Met; replaces valine 1035 with methionine.
Molecular consequence: missense variant.
Genome position (GRCh38, 1-based): chr1:1,046,588, G>A. VCF-style: chr1-1046588-G-A. GRCh37 (hg19) VCF-style: chr1-981968-G-A.
Other names: c.3103G>A, p.Val1035Met (NM_001305275.2); c.2788G>A, p.Val930Met (NM_001364727.2); short protein forms V930M, V1035M.
Identifiers: ClinVar variation 944080 (VCV000944080.8), dbSNP rs756015484, ClinGen allele CA508948.
Genomic context (GRCh38, chr1:1,046,588, plus strand): 5'-CAGACCACCCCTCCGCCCTCATCACGACCTCGGACCACTGCCAGCGTCCCCAGGACCACC[G>A]TGTGGCCCGTGCTGACGGTGCCCCCCACGGCACCCTCCCCTGCACCCAGCCTGGTGGCGT-3'
Protein context (NP_940978.2, residues 1025-1045): RTTASVPRTT[Val1035Met]WPVLTVPPTA

ClinVar aggregate classification (germline): Uncertain significance (1 of 4 stars; one submission).

Conditions:
Congenital myasthenic syndrome 8. Also called: MYASTHENIC SYNDROME, CONGENITAL, DUE TO AGRIN DEFICIENCY; Myasthenic syndrome, congenital, 8, with pre- and postsynaptic defects. Identifiers: Orphanet 590, MedGen C3808739, MONDO:0014052, OMIM 615120.

Allele frequency attached by ClinVar (database versions not stated): TOPMed 0.00001; gnomAD exomes 0.00002; gnomAD 0.00001; ExAC 0.00001.
gnomAD v4.1: 29 of 1,606,042 alleles (0.0018%); highest among the groups gnomAD compares: Admixed American, 0.0033%; no homozygotes.

Submission:

Labcorp Genetics (formerly Invitae), Labcorp
Classification: Uncertain significance for Congenital myasthenic syndrome 8. Last evaluated: 2022-08-19. Review status: criteria provided, single submitter. Criteria: Invitae Variant Classification Sherloc (09022015). Collection method: clinical testing. Allele origin: germline.
Comment: This sequence change replaces valine, which is neutral and non-polar, with methionine, which is neutral and non-polar, at codon 1035 of the AGRN protein (p.Val1035Met). The frequency data for this variant in the population databases is considered unreliable, as metrics indicate poor data quality at this position in the gnomAD database. This variant has not been reported in the literature in individuals affected with AGRN-related conditions. ClinVar contains an entry for this variant (Variation ID: 944080). Algorithms developed to predict the effect of missense changes on protein structure and function are either unavailable or do not agree on the potential impact of this missense change (SIFT: "Tolerated"; PolyPhen-2: "Possibly Damaging"; Align-GVGD: "Class C0"). In summary, the available evidence is currently insufficient to determine the role of this variant in disease. Therefore, it has been classified as a Variant of Uncertain Significance.